The following is an entry in ClinVar:

ClinVar aggregate classification (germline): Likely benign (0 of 4 stars; one submission).

Conditions:
KLB-related disorder. Also called: KLB-related condition.

Allele frequency attached by ClinVar (database versions not stated): gnomAD exomes 0.00005; ExAC 0.00018; ESP Exome Variant Server 0.00038; gnomAD 0.00050; TOPMed 0.00074; 1000 Genomes Project 0.00140; 1000 Genomes Project 30x 0.00156.
gnomAD v4.1: 163 of 1,614,188 alleles (0.01%); highest among the groups gnomAD compares: African/African-American, 0.19%; no homozygotes.

Submission:

PreventionGenetics, part of Exact Sciences
Classification: Likely benign for KLB-related condition. Last evaluated: 2022-05-31. Review status: no assertion criteria provided. Collection method: clinical testing. Allele origin: germline.
Comment: This variant is classified as likely benign based on ACMG/AMP sequence variant interpretation guidelines (Richards et al. 2015 PMID: 25741868, with internal and published modifications).

NM_175737.4(KLB):c.166G>A (p.Asp56Asn)

Gene: KLB (klotho beta; plus strand). Cytogenetic location: 4p14.
Variant type: single nucleotide variant.
Coding change: c.166G>A on transcript NM_175737.4 (MANE Select); coding-DNA position 166, G replaced by A.
Protein change: p.Asp56Asn; replaces aspartic acid 56 with asparagine.
Molecular consequence: missense variant.
Genome position (GRCh38, 1-based): chr4:39,407,115, G>A. VCF-style: chr4-39407115-G-A. GRCh37 (hg19) VCF-style: chr4-39408735-G-A.
Other names: short protein forms D56N.
Identifiers: ClinVar variation 3046714 (VCV003046714.2), dbSNP rs138076201, ClinGen allele CA2893622.